The following is an entry in ClinVar:

ClinVar aggregate classification (germline): Uncertain significance (1 of 4 stars; one submission).

Allele frequency attached by ClinVar (database versions not stated): gnomAD exomes 0.00001.
gnomAD v4.1: 9 of 1,613,666 alleles (0.00056%); highest among the groups gnomAD compares: Non-Finnish European, 0.00076%; no homozygotes.

Submission:

Labcorp Genetics (formerly Invitae), Labcorp
Classification: Uncertain significance. Last evaluated: 2021-06-19. Review status: criteria provided, single submitter. Criteria: Invitae Variant Classification Sherloc (09022015). Collection method: clinical testing. Allele origin: germline.
Comment: This sequence change replaces alanine with threonine at codon 527 of the DNM1L protein (p.Ala527Thr). The alanine residue is weakly conserved and there is a small physicochemical difference between alanine and threonine. This variant is not present in population databases (ExAC no frequency). This variant has not been reported in the literature in individuals with DNM1L-related conditions. Algorithms developed to predict the effect of missense changes on protein structure and function output the following: SIFT: "Tolerated"; PolyPhen-2: "Benign"; Align-GVGD: "Class C0". The threonine amino acid residue is found in multiple mammalian species, suggesting that this missense change does not adversely affect protein function. These predictions have not been confirmed by published functional studies and their clinical significance is uncertain. In summary, the available evidence is currently insufficient to determine the role of this variant in disease. Therefore, it has been classified as a Variant of Uncertain Significance.

NM_012062.5(DNM1L):c.1579G>A (p.Ala527Thr)

Gene: DNM1L (dynamin 1 like; plus strand). Cytogenetic location: 12p11.21.
Variant type: single nucleotide variant.
Coding change: c.1579G>A on transcript NM_012062.5 (MANE Select); coding-DNA position 1579, G replaced by A.
Protein change: p.Ala527Thr; replaces alanine 527 with threonine.
Molecular consequence: missense variant.
Genome position (GRCh38, 1-based): chr12:32,737,144, G>A. VCF-style: chr12-32737144-G-A. GRCh37 (hg19) VCF-style: chr12-32890078-G-A.
Other names: c.1579G>A, p.Ala527Thr (NM_001278463.2, NM_005690.5, NM_012063.4); c.1618G>A, p.Ala540Thr (NM_001278464.2, NM_001278465.2, NM_001330380.2); c.970G>A, p.Ala324Thr (NM_001278466.2); short protein forms A527T, A324T, A540T.
Identifiers: ClinVar variation 1388880 (VCV001388880.8), dbSNP rs2137562786, ClinGen allele CA384360744.